The following is an entry in ClinVar:

ClinVar aggregate classification (germline): Pathogenic. Review status: criteria provided, multiple submitters, no conflicts (2 of 4 stars). 3 submissions from 3 submitters: Pathogenic (3). Last evaluated 2026-01-19.

Conditions:
Becker muscular dystrophy, Cardiomyopathy, Duchenne muscular dystrophy, Dystrophin deficiency.
Duchenne muscular dystrophy (DMD). Also called: Duchenne Muscular Dystrophy (DMD); MUSCULAR DYSTROPHY, PSEUDOHYPERTROPHIC PROGRESSIVE, DUCHENNE TYPE. Identifiers: Orphanet 98896, MedGen C0013264, MONDO:0010679, OMIM 310200.

Submissions (3):

Labcorp Genetics (formerly Invitae), Labcorp
Classification: Pathogenic for Duchenne muscular dystrophy. Last evaluated: 2026-01-19. Review status: criteria provided, single submitter. Criteria: Invitae Variant Classification Sherloc (09022015). Collection method: clinical testing. Allele origin: germline.
Comment: This sequence change creates a premature translational stop signal (p.Ser3420Phefs*13) in the DMD gene. It is expected to result in an absent or disrupted protein product. Loss-of-function variants in DMD are known to be pathogenic (PMID: 16770791, 25007885). This variant is not present in population databases (gnomAD no frequency). This variant has not been reported in the literature in individuals affected with DMD-related conditions. ClinVar contains an entry for this variant (Variation ID: 94431). For these reasons, this variant has been classified as Pathogenic.

Natera, Inc.
Classification: Pathogenic for Becker muscular dystrophy, Cardiomyopathy, Duchenne muscular dystrophy, Dystrophin deficiency. Last evaluated: 2025-06-03. Review status: criteria provided, single submitter. Criteria: Natera Variant Classification Schema (03/2026). Collection method: clinical testing. Allele origin: germline.
Comment: The c.10258dup variant in DMD is a frameshift variant predicted to shift the reading frame beginning at codon 3420 and leads to a stop codon 13 codons downstream. This variant is expected to result in nonsense mediated decay, truncation, or a dysfunctional protein product. This variant is rare in the general population with a frequency below the threshold expected for the associated phenotype(s). This variant has been observed in affected individual(s) with monoallelic occurrence (heterozygous/hemizygous) (PMID: 33454189). Given the available evidence, this variant is classified as Pathogenic.

Eurofins Ntd Llc (ga)
Classification: Pathogenic. Last evaluated: 2015-10-02. Review status: criteria provided, single submitter. Criteria: EGL Classification Definitions. Collection method: clinical testing. Allele origin: germline. Observed: 3 variant alleles, 1 heterozygote, 2 hemizygotes.

Literature cited by the submitters: PubMed 16770791 (cited by Labcorp Genetics (formerly Invitae), Labcorp); PubMed 25007885 (cited by Labcorp Genetics (formerly Invitae), Labcorp); PubMed 33454189 (cited by Natera, Inc.).

NM_004006.3(DMD):c.10258dup (p.Ser3420fs)

Gene: DMD (dystrophin; minus strand). Cytogenetic location: Xp21.2.
Variant type: Duplication.
Coding change: c.10258dup on transcript NM_004006.3 (MANE Select); coding-DNA position 10258, one base duplicated (T; older notation c.10258dupT).
Protein change: p.Ser3420fs; shifts the reading frame from serine 3420.
Molecular consequence: frameshift variant. On other transcripts: intron variant (5).
Genome position (GRCh38, 1-based): chrX:31,177,936, A duplicated on the plus strand (T on the coding strand, the reverse complement: DMD is on the minus strand); the first of 2 consecutive A bases (chrX:31,177,936-31,177,937); duplicating either gives the same sequence. VCF-style (leftmost placement, unchanged base first): chrX-31177935-G-GA. GRCh37 (hg19) VCF-style: chrX-31196052-G-GA.
Other names: c.10258dupT (NM_004006.2); c.10258dup (NM_004006.2); c.10234dup, p.Ser3412fs (NM_000109.4); c.10246dup, p.Ser3416fs (NM_004009.3); c.9889dup, p.Ser3297fs (NM_004010.3); c.6235dup, p.Ser2079fs (NM_004011.4); c.6226dup, p.Ser2076fs (NM_004012.4); c.2878dup, p.Ser960fs (NM_004013.3, NM_004021.3); and 4 more; short protein forms S2076fs, S3297fs, S691fs, S2079fs, S3420fs, S352fs, S3412fs, S3416fs.
Identifiers: ClinVar variation 94431 (VCV000094431.17), dbSNP rs398123835, ClinGen allele CA266867.
Genomic context (GRCh38, chrX:31,177,935, plus strand): 5'-ACCAAGCGAGCGAATGTGTTGGTGGTAGCAGCACCCTTCAGCAAAAAAAGTACTCACGCA[G>GA]AATCTACTGGCCAGAAGTTGATCAGAGTAACGGGACTGCAAAACAAAAAATGAGGTGGTG-3'